The following is an entry in ClinVar:

ClinVar aggregate classification (germline): Uncertain significance (1 of 4 stars; one submission).

Conditions:
Severe combined immunodeficiency due to DNA-PKcs deficiency. Also called: IMMUNODEFICIENCY 26 WITH NEUROLOGIC ABNORMALITIES; Immunodeficiency 26 with or without neurologic abnormalities. Identifiers: Orphanet 317425, MedGen C4014833, MONDO:0014423, OMIM 615966.

Submission:

Labcorp Genetics (formerly Invitae), Labcorp
Classification: Uncertain significance for Severe combined immunodeficiency due to DNA-PKcs deficiency. Last evaluated: 2024-10-23. Review status: criteria provided, single submitter. Criteria: Invitae Variant Classification Sherloc (09022015). Collection method: clinical testing. Allele origin: germline.
Comment: This sequence change replaces alanine, which is neutral and non-polar, with valine, which is neutral and non-polar, at codon 3340 of the PRKDC protein (p.Ala3340Val). This variant is not present in population databases (gnomAD no frequency). This variant has not been reported in the literature in individuals affected with PRKDC-related conditions. ClinVar contains an entry for this variant (Variation ID: 1425481). Invitae Evidence Modeling of protein sequence and biophysical properties (such as structural, functional, and spatial information, amino acid conservation, physicochemical variation, residue mobility, and thermodynamic stability) indicates that this missense variant is not expected to disrupt PRKDC protein function with a negative predictive value of 80%. In summary, the available evidence is currently insufficient to determine the role of this variant in disease. Therefore, it has been classified as a Variant of Uncertain Significance.

NM_006904.7(PRKDC):c.10019C>T (p.Ala3340Val)

Gene: PRKDC (protein kinase, DNA-activated, catalytic subunit; minus strand). Cytogenetic location: 8q11.21.
Variant type: single nucleotide variant.
Coding change: c.10019C>T on transcript NM_006904.7 (MANE Select); coding-DNA position 10019, C replaced by T.
Protein change: p.Ala3340Val; replaces alanine 3340 with valine.
Molecular consequence: missense variant.
Genome position (GRCh38, 1-based): chr8:47,800,890, G>A on the plus strand (C>T on the coding strand, the complement: PRKDC is on the minus strand). VCF-style: chr8-47800890-G-A. GRCh37 (hg19) VCF-style: chr8-48713451-G-A.
Other names: c.10019C>T, p.Ala3340Val (NM_001081640.2); short protein forms A3340V.
Identifiers: ClinVar variation 1425481 (VCV001425481.6), dbSNP rs2154498225, ClinGen allele CA371135753.